The following is an entry in ClinVar:

NM_001244926.2(PRPF4):c.1448C>T (p.Pro483Leu)

Gene: PRPF4 (pre-mRNA splicing tri-snRNP complex factor PRPF4; plus strand). Cytogenetic location: 9q32.
Variant type: single nucleotide variant.
Coding change: c.1448C>T on transcript NM_001244926.2 (MANE Select); coding-DNA position 1448, C replaced by T.
Protein change: p.Pro483Leu; replaces proline 483 with leucine.
Molecular consequence: missense variant. On other transcripts: non-coding transcript variant (2).
Genome position (GRCh38, 1-based): chr9:113,291,542, C>T. VCF-style: chr9-113291542-C-T. GRCh37 (hg19) VCF-style: chr9-116053822-C-T.
Other names: c.722C>T, p.Pro241Leu (NM_001322266.2, NM_001322267.2); c.1451C>T, p.Pro484Leu (NM_004697.5); short protein forms P241L, P483L, P484L.
Identifiers: ClinVar variation 2093273 (VCV002093273.4), dbSNP rs2490845925, ClinGen allele CA374556235.
Genomic context (GRCh38, chr9:113,291,542, plus strand): 5'-TCTTGCTTACTGGTGCCTATGATAACACAGCCAAGATCTGGACGCACCCAGGCTGGTCCC[C>T]GCTGAAGACTCTGGCTGGCCACGAAGGCAAAGTGATGGGCCTAGATATTTCTTCCGATGG-3'
Protein context (NP_001231855.1, residues 473-493): AKIWTHPGWS[Pro483Leu]LKTLAGHEGK

ClinVar aggregate classification (germline): Uncertain significance (1 of 4 stars; one submission).

Submission:

Labcorp Genetics (formerly Invitae), Labcorp
Classification: Uncertain significance. Last evaluated: 2022-02-04. Review status: criteria provided, single submitter. Criteria: Invitae Variant Classification Sherloc (09022015). Collection method: clinical testing. Allele origin: germline.
Comment: This variant has not been reported in the literature in individuals affected with PRPF4-related conditions. Algorithms developed to predict the effect of missense changes on protein structure and function are either unavailable or do not agree on the potential impact of this missense change (SIFT: "Deleterious"; PolyPhen-2: "Possibly Damaging"; Align-GVGD: "Class C0"). In summary, the available evidence is currently insufficient to determine the role of this variant in disease. Therefore, it has been classified as a Variant of Uncertain Significance. This variant is not present in population databases (gnomAD no frequency). This sequence change replaces proline, which is neutral and non-polar, with leucine, which is neutral and non-polar, at codon 484 of the PRPF4 protein (p.Pro484Leu).